The following is an entry in ClinVar:

NM_001851.6(COL9A1):c.1066-273A>C

Gene: COL9A1 (collagen type IX alpha 1 chain; minus strand). Cytogenetic location: 6q13.
Variant type: single nucleotide variant.
Coding change: c.1066-273A>C on transcript NM_001851.6 (MANE Select); 273 bases into the intron before coding-DNA position 1066, A replaced by C.
Molecular consequence: intron variant.
Genome position (GRCh38, 1-based): chr6:70,272,361, T>G on the plus strand (A>C on the coding strand, the complement: COL9A1 is on the minus strand). VCF-style: chr6-70272361-T-G. GRCh37 (hg19) VCF-style: chr6-70982064-T-G.
Other names: c.337-273A>C (NM_001377290.1, NM_078485.4, NM_001377289.1).
Identifiers: ClinVar variation 668968 (VCV000668968.1), dbSNP rs12530229, ClinGen allele CA15435170.

ClinVar aggregate classification (germline): Benign (1 of 4 stars; one submission).

Allele frequency attached by ClinVar (database versions not stated): 1000 Genomes Project 30x 0.36243; 1000 Genomes Project 0.36322; TOPMed 0.37352; gnomAD 0.37656 and 0.37761.
gnomAD v4.1: 57,062 of 151,778 alleles (38%); highest among the groups gnomAD compares: African/African-American, 43%; 11,021 homozygotes.

Submission:

GeneDx
Classification: Benign. Last evaluated: 2018-06-19. Review status: criteria provided, single submitter. Criteria: GeneDx Variant Classification (06012015). Collection method: clinical testing. Allele origin: germline. Affected: yes.
Comment: This variant is considered likely benign or benign based on one or more of the following criteria: it is a conservative change, it occurs at a poorly conserved position in the protein, it is predicted to be benign by multiple in silico algorithms, and/or has population frequency not consistent with disease.